The following is an entry in ClinVar:

NM_001267550.2(TTN):c.106836T>G (p.Phe35612Leu)

Genes: TTN-AS1 (TTN antisense RNA 1; plus strand), TTN (titin; minus strand). Cytogenetic location: 2q31.2.
Variant type: single nucleotide variant.
Coding change: c.106836T>G on transcript NM_001267550.2 (MANE Select); coding-DNA position 106836, T replaced by G.
Protein change: p.Phe35612Leu; replaces phenylalanine 35612 with leucine.
Molecular consequence: missense variant.
Genome position (GRCh38, 1-based): chr2:178,528,915, A>C on the plus strand (T>G on the coding strand, the complement: TTN is on the minus strand). VCF-style: chr2-178528915-A-C. GRCh37 (hg19) VCF-style: chr2-179393642-A-C.
Other names: c.101913T>G, p.Phe33971Leu (NM_001256850.1); c.79641T>G, p.Phe26547Leu (NM_003319.4); c.99132T>G, p.Phe33044Leu (NM_133378.4); c.80016T>G, p.Phe26672Leu (NM_133432.3); c.80217T>G, p.Phe26739Leu (NM_133437.4); short protein forms F26547L, F26672L, F26739L, F33044L, F33971L, F35612L.
Identifiers: ClinVar variation 3757405 (VCV003757405.2).

ClinVar aggregate classification (germline): Uncertain significance (1 of 4 stars; one submission).

Conditions:
Dilated cardiomyopathy 1G (CMD1G). Identifiers: Orphanet 154, MedGen C1858763, MONDO:0011400, OMIM 604145.
Autosomal recessive limb-girdle muscular dystrophy type 2J (LGMDR10). Also called: Limb-girdle muscular dystrophy, type 2J; MUSCULAR DYSTROPHY, LIMB-GIRDLE, AUTOSOMAL RECESSIVE 10. Identifiers: Orphanet 140922, MedGen C1837342, MONDO:0012127, OMIM 608807.

Submission:

Labcorp Genetics (formerly Invitae), Labcorp
Classification: Uncertain significance for Dilated cardiomyopathy 1G; Autosomal recessive limb-girdle muscular dystrophy type 2J. Last evaluated: 2024-07-25. Review status: criteria provided, single submitter. Criteria: Invitae Variant Classification Sherloc (09022015). Collection method: clinical testing. Allele origin: germline.
Comment: This sequence change replaces phenylalanine, which is neutral and non-polar, with leucine, which is neutral and non-polar, at codon 35612 of the TTN protein (p.Phe35612Leu). This variant is not present in population databases (gnomAD no frequency). This variant has not been reported in the literature in individuals affected with TTN-related conditions. An algorithm developed to predict the effect of missense changes on protein structure and function outputs the following: PolyPhen-2: "Not Available". The leucine amino acid residue is found in multiple mammalian species, which suggests that this missense change does not adversely affect protein function. This variant is located in the M band of TTN (PMID: 25589632). Non-truncating variants in this region may be relevant for neuromuscular disorders, but have not been definitively shown to cause cardiomyopathy (PMID: 23975875). In summary, the available evidence is currently insufficient to determine the role of this variant in disease. Therefore, it has been classified as a Variant of Uncertain Significance.

Literature cited by the submitters: PubMed 25589632; PubMed 23975875.